The following is an entry in ClinVar:

ClinVar aggregate classification (germline): Uncertain significance. Review status: criteria provided, multiple submitters, no conflicts (2 of 4 stars). 4 submissions from 4 submitters: Uncertain significance (4). Last evaluated 2024-08-30.

Conditions:
Inborn genetic diseases. Identifiers: MedGen C0950123, MeSH D030342.
Peroxisome biogenesis disorder 2B (PBD2B). Identifiers: Orphanet 44, MedGen C3550234, MONDO:0008736, OMIM 202370.

Allele frequency attached by ClinVar (database versions not stated): gnomAD 0.00001; TOPMed 0.00001; ExAC 0.00002; gnomAD exomes 0.00002.
gnomAD v4.1: 25 of 1,570,050 alleles (0.0016%); highest among the groups gnomAD compares: Middle Eastern, 0.017%; no homozygotes.

Submissions (4):

Blueprint Genetics
Classification: Uncertain significance. Last evaluated: 2024-08-30. Review status: criteria provided, single submitter. Criteria: ACMG Guidelines, 2015. Collection method: clinical testing. Allele origin: germline.

Ambry Genetics
Classification: Uncertain significance for Inborn genetic diseases. Last evaluated: 2023-09-25. Review status: criteria provided, single submitter. Criteria: Ambry Variant Classification Scheme 2023. Collection method: clinical testing. Allele origin: germline.

Labcorp Genetics (formerly Invitae), Labcorp
Classification: Uncertain significance for Peroxisome biogenesis disorder 2B. Last evaluated: 2022-05-15. Review status: criteria provided, single submitter. Criteria: Invitae Variant Classification Sherloc (09022015). Collection method: clinical testing. Allele origin: germline.
Comment: This sequence change replaces arginine, which is basic and polar, with cysteine, which is neutral and slightly polar, at codon 183 of the PEX5 protein (p.Arg183Cys). This variant is present in population databases (rs746104983, gnomAD 0.01%). This variant has not been reported in the literature in individuals affected with PEX5-related conditions. ClinVar contains an entry for this variant (Variation ID: 289261). Algorithms developed to predict the effect of missense changes on protein structure and function are either unavailable or do not agree on the potential impact of this missense change (SIFT: "Deleterious"; PolyPhen-2: "Benign"; Align-GVGD: "Class C0"). In summary, the available evidence is currently insufficient to determine the role of this variant in disease. Therefore, it has been classified as a Variant of Uncertain Significance.

Eurofins Ntd Llc (ga)
Classification: Uncertain significance. Last evaluated: 2016-07-05. Review status: criteria provided, single submitter. Criteria: EGL Classification Definitions 2015. Collection method: clinical testing. Allele origin: germline. Observed: 1 variant allele, 1 heterozygote.

NM_001351132.2(PEX5):c.547C>T (p.Arg183Cys)

Gene: PEX5 (peroxisomal biogenesis factor 5; plus strand). Cytogenetic location: 12p13.31.
Variant type: single nucleotide variant.
Coding change: c.547C>T on transcript NM_001351132.2 (MANE Select); coding-DNA position 547, C replaced by T.
Protein change: p.Arg183Cys; replaces arginine 183 with cysteine.
Molecular consequence: missense variant.
Genome position (GRCh38, 1-based): chr12:7,199,109, C>T. VCF-style: chr12-7199109-C-T. GRCh37 (hg19) VCF-style: chr12-7351705-C-T.
Other names: c.547C>T (NM_001131025.1); c.547C>T, p.Arg183Cys (NM_000319.5, NM_001131024.2, NM_001131025.2 and 19 more transcripts); c.592C>T, p.Arg198Cys (NM_001131023.2, NM_001351135.3, NM_001351138.2); short protein forms R183C, R198C.
Identifiers: ClinVar variation 289261 (VCV000289261.9), dbSNP rs746104983, ClinGen allele CA6426164.